The following is an entry in ClinVar:

ClinVar aggregate classification (germline): Uncertain significance (1 of 4 stars; one submission).

Conditions:
Intellectual developmental disorder, X-linked, syndromic, Houge type. Also called: MENTAL RETARDATION, X-LINKED, SYNDROMIC, HOUGE TYPE; Intellectual disability, X-linked, syndromic, Houge type. Identifiers: MedGen C4538788, MONDO:0030909, OMIM 301008.

Allele frequency attached by ClinVar (database versions not stated): gnomAD exomes below 0.00001; ExAC 0.00001; gnomAD 0.00002.
gnomAD v4.1: 3 of 1,178,200 alleles (0.00025%); highest among the groups gnomAD compares: East Asian, 0.003%; no homozygotes.

Submission:

Baylor Genetics
Classification: Uncertain significance for Intellectual developmental disorder, X-linked, syndromic, Houge type. Last evaluated: 2020-09-19. Review status: criteria provided, single submitter. Criteria: ACMG Guidelines, 2015. Collection method: clinical testing. Allele origin: unknown. Affected: yes.
Comment: This variant was determined to be of uncertain significance according to ACMG Guidelines, 2015 [PMID:25741868].

NM_014927.5(CNKSR2):c.1895G>A (p.Arg632His)

Gene: CNKSR2 (connector enhancer of kinase suppressor of Ras 2; plus strand). Cytogenetic location: Xp22.12.
Variant type: single nucleotide variant.
Coding change: c.1895G>A on transcript NM_014927.5 (MANE Select); coding-DNA position 1895, G replaced by A.
Protein change: p.Arg632His; replaces arginine 632 with histidine.
Molecular consequence: missense variant.
Genome position (GRCh38, 1-based): chrX:21,595,038, G>A. VCF-style: chrX-21595038-G-A. GRCh37 (hg19) VCF-style: chrX-21613156-G-A.
Other names: c.1805G>A, p.Arg602His (NM_001168647.3, NM_001330773.2); c.1895G>A, p.Arg632His (NM_001168648.3); c.1748G>A, p.Arg583His (NM_001168649.3, NM_001330770.2); c.1658G>A, p.Arg553His (NM_001330771.2, NM_001330772.2); short protein forms R553H, R602H, R583H, R632H.
Identifiers: ClinVar variation 1030444 (VCV001030444.1), dbSNP rs750208984, ClinGen allele CA10366673.